The following is an entry in ClinVar:

ClinVar aggregate classification (germline): Benign/Likely benign. Review status: criteria provided, multiple submitters, no conflicts (2 of 4 stars). 4 submissions from 4 submitters: Benign (1); Likely benign (1). 2 of the submissions do not count toward it. Last evaluated 2026-02-27.

Conditions:
Primary ciliary dyskinesia. Also called: Ciliary dyskinesia. Identifiers: Orphanet 244, MedGen C0008780, MONDO:0016575, HP:0012265.
RPGR-related disorder. Also called: RPGR-related condition.

Allele frequency attached by ClinVar (database versions not stated): ExAC 0.00001; gnomAD exomes 0.00005 and 0.00007; gnomAD 0.00007 and 0.00008; TOPMed 0.00007; ESP Exome Variant Server 0.00009.
gnomAD v4.1: 64 of 1,209,903 alleles (0.0053%); highest among the groups gnomAD compares: Non-Finnish European, 0.0071%; no homozygotes.

Submissions (4):

PreventionGenetics, part of Exact Sciences
Classification: Likely benign for RPGR-related condition. Last evaluated: 2026-02-27. Review status: criteria provided, single submitter. Criteria: ACMG Guidelines, 2015. Collection method: clinical testing. Allele origin: germline.
Comment: This variant is classified as likely benign based on ACMG/AMP sequence variant interpretation guidelines (Richards et al. 2015 PMID: 25741868, with internal and published modifications).

Labcorp Genetics (formerly Invitae), Labcorp
Classification: Benign for Primary ciliary dyskinesia. Last evaluated: 2026-01-21. Review status: criteria provided, single submitter. Criteria: Invitae Variant Classification Sherloc (09022015). Collection method: clinical testing. Allele origin: germline.

Clinical Genetics DNA and cytogenetics Diagnostics Lab, Erasmus MC, Erasmus Medical Center
Classification: Likely benign. Review status: no assertion criteria provided. Collection method: clinical testing. Allele origin: germline. Affected: yes. Study: VKGL Data-share Consensus. Not counted in ClinVar's aggregate classification.

Clinical Genetics, Academic Medical Center
Classification: Likely benign. Review status: no assertion criteria provided. Collection method: clinical testing. Allele origin: germline. Affected: yes. Study: VKGL Data-share Consensus. Not counted in ClinVar's aggregate classification.

NM_001034853.2(RPGR):c.1098T>C (p.Ala366=)

Gene: RPGR (retinitis pigmentosa GTPase regulator; minus strand). Cytogenetic location: Xp11.4.
Variant type: single nucleotide variant.
Coding change: c.1098T>C on transcript NM_001034853.2 (MANE Select); coding-DNA position 1098, T replaced by C.
Protein change: p.Ala366=; no amino-acid change (alanine 366 retained).
Molecular consequence: synonymous variant. On other transcripts: non-coding transcript variant (6), intron variant (2).
Genome position (GRCh38, 1-based): chrX:38,299,103, A>G on the plus strand (T>C on the coding strand, the complement: RPGR is on the minus strand). VCF-style: chrX-38299103-A-G. GRCh37 (hg19) VCF-style: chrX-38158356-A-G.
Other names: c.1098T>C, p.Ala366= (NM_000328.3, NM_001367247.1); c.1095T>C, p.Ala365= (NM_001367245.1, NM_001367249.1, NM_001367250.1); c.1128T>C, p.Ala376= (NM_001367248.1); c.1060-1651T>C (NM_001367251.1, NM_001367246.1); c.1098T>C (NM_001034853.1).
Identifiers: ClinVar variation 697500 (VCV000697500.12), dbSNP rs369391462, ClinGen allele CA10385544.
Genomic context (GRCh38, chrX:38,299,103, plus strand): 5'-AGATAAGCAAGTATCATTTATTTCATCGAATTCAATTTCTTTTGCCACACCACGATGAGG[A>G]GCAGCAAAAACTACCATGTGACATCCACCACAAGCAACCTGCAGCATAAATCCACAGAAA-3'
Protein context (NP_001030025.1, residues 356-376): CGGCHMVVFA[Ala366=]PHRGVAKEIE